The following is an entry in ClinVar:

ClinVar aggregate classification (germline): Uncertain significance (1 of 4 stars; one submission).

Conditions:
Autosomal recessive polycystic kidney disease (ARPKD). Also called: AR polycystic kidney disease. Identifiers: Orphanet 731, Orphanet 8378, MedGen C0085548, MeSH D017044, MONDO:0009889.

Submission:

Labcorp Genetics (formerly Invitae), Labcorp
Classification: Uncertain significance for Autosomal recessive polycystic kidney disease. Last evaluated: 2020-11-14. Review status: criteria provided, single submitter. Criteria: Invitae Variant Classification Sherloc (09022015). Collection method: clinical testing. Allele origin: germline.
Comment: In summary, the available evidence is currently insufficient to determine the role of this variant in disease. Therefore, it has been classified as a Variant of Uncertain Significance. Advanced modeling of protein sequence and biophysical properties (such as structural, functional, and spatial information, amino acid conservation, physicochemical variation, residue mobility, and thermodynamic stability) performed at Invitae indicates that this missense variant is not expected to disrupt PKHD1 protein function. This variant has not been reported in the literature in individuals with PKHD1-related conditions. This variant is not present in population databases (ExAC no frequency). This sequence change replaces histidine with aspartic acid at codon 791 of the PKHD1 protein (p.His791Asp). The histidine residue is weakly conserved and there is a moderate physicochemical difference between histidine and aspartic acid.

NM_138694.4(PKHD1):c.2371C>G (p.His791Asp)

Gene: PKHD1 (PKHD1 ciliary IPT domain containing fibrocystin/polyductin; minus strand). Cytogenetic location: 6p12.2.
Variant type: single nucleotide variant.
Coding change: c.2371C>G on transcript NM_138694.4 (MANE Select); coding-DNA position 2371, C replaced by G.
Protein change: p.His791Asp; replaces histidine 791 with aspartic acid.
Molecular consequence: missense variant.
Genome position (GRCh38, 1-based): chr6:52,048,528, G>C on the plus strand (C>G on the coding strand, the complement: PKHD1 is on the minus strand). VCF-style: chr6-52048528-G-C. GRCh37 (hg19) VCF-style: chr6-51913326-G-C.
Other names: c.2371C>G, p.His791Asp (NM_170724.3); short protein forms H791D.
Identifiers: ClinVar variation 1389484 (VCV001389484.8), dbSNP rs781097626, ClinGen allele CA364443508.